The following is an entry in ClinVar:

ClinVar aggregate classification (germline): Uncertain significance (1 of 4 stars; one submission).

Allele frequency attached by ClinVar (database versions not stated): gnomAD exomes below 0.00001 and 0.00001; TOPMed 0.00001; gnomAD 0.00003.
gnomAD v4.1: 13 of 1,614,034 alleles (0.00081%); highest among the groups gnomAD compares: Non-Finnish European, 0.001%; no homozygotes.

Submission:

Labcorp Genetics (formerly Invitae), Labcorp
Classification: Uncertain significance. Last evaluated: 2022-07-26. Review status: criteria provided, single submitter. Criteria: Invitae Variant Classification Sherloc (09022015). Collection method: clinical testing. Allele origin: germline.
Comment: This sequence change replaces glycine, which is neutral and non-polar, with arginine, which is basic and polar, at codon 405 of the PUS3 protein (p.Gly405Arg). This variant is present in population databases (no rsID available, gnomAD 0.002%). This variant has not been reported in the literature in individuals affected with PUS3-related conditions. Algorithms developed to predict the effect of missense changes on protein structure and function are either unavailable or do not agree on the potential impact of this missense change (SIFT: "Tolerated"; PolyPhen-2: "Probably Damaging"; Align-GVGD: "Class C0"). In summary, the available evidence is currently insufficient to determine the role of this variant in disease. Therefore, it has been classified as a Variant of Uncertain Significance.

NM_031307.4(PUS3):c.1213G>A (p.Gly405Arg)

Genes: HYLS1 (HYLS1 centriolar and ciliogenesis associated; plus strand), PUS3 (pseudouridine synthase 3; minus strand). Cytogenetic location: 11q24.2.
Variant type: single nucleotide variant.
Coding change: c.1213G>A on transcript NM_031307.4 (MANE Select); coding-DNA position 1213, G replaced by A.
Protein change: p.Gly405Arg; replaces glycine 405 with arginine.
Molecular consequence: missense variant. On other transcripts: intron variant (5).
Genome position (GRCh38, 1-based): chr11:125,894,018, C>T on the plus strand (G>A on the coding strand, the complement: PUS3 is on the minus strand). VCF-style: chr11-125894018-C-T. GRCh37 (hg19) VCF-style: chr11-125763913-C-T.
Other names: c.589G>A, p.Gly197Arg (NM_001271985.2); c.-81+2546C>T (NM_145014.3); c.-26+2546C>T (NM_001134793.2); c.-23+2546C>T (NM_001424364.1); c.-25-5326C>T (NM_001377269.1); c.-22-5329C>T (NM_001377270.1); short protein forms G197R, G405R.
Identifiers: ClinVar variation 1463800 (VCV001463800.3), dbSNP rs1270685511, ClinGen allele CA383197004.